The following is an entry in ClinVar:

NM_001365276.2(TNXB):c.1124G>C (p.Arg375Thr)

Gene: TNXB (tenascin XB; minus strand). Cytogenetic location: 6p21.33.
Variant type: single nucleotide variant.
Coding change: c.1124G>C on transcript NM_001365276.2 (MANE Select); coding-DNA position 1124, G replaced by C.
Protein change: p.Arg375Thr; replaces arginine 375 with threonine.
Molecular consequence: missense variant.
Genome position (GRCh38, 1-based): chr6:32,096,729, C>G on the plus strand (G>C on the coding strand, the complement: TNXB is on the minus strand). VCF-style: chr6-32096729-C-G. GRCh37 (hg19) VCF-style: chr6-32064506-C-G.
Other names: c.1124G>C, p.Arg375Thr (NM_001428335.1, NM_019105.8); short protein forms R375T.
Identifiers: ClinVar variation 3227229 (VCV003227229.1), dbSNP rs754216282, ClinGen allele CA363483584.

ClinVar aggregate classification (germline): Uncertain significance (1 of 4 stars; one submission).

Conditions:
Cardiovascular phenotype. Identifiers: MedGen CN230736.

Submission:

Ambry Genetics
Classification: Uncertain significance for Cardiovascular phenotype. Last evaluated: 2023-11-21. Review status: criteria provided, single submitter. Criteria: Ambry Variant Classification Scheme 2023. Collection method: clinical testing. Allele origin: germline.
Comment: The p.R375T variant (also known as c.1124G>C), located in coding exon 2 of the TNXB gene, results from a G to C substitution at nucleotide position 1124. The arginine at codon 375 is replaced by threonine, an amino acid with similar properties. This amino acid position is conserved. In addition, this alteration is predicted to be tolerated by in silico analysis. Since supporting evidence is limited at this time, the clinical significance of this alteration remains unclear.